The following is an entry in ClinVar:

NM_001079802.2(FKTN):c.1176C>G (p.Tyr392Ter)

Gene: FKTN (fukutin; plus strand). Cytogenetic location: 9q31.2.
Variant type: single nucleotide variant.
Coding change: c.1176C>G on transcript NM_001079802.2 (MANE Select); coding-DNA position 1176, C replaced by G.
Protein change: p.Tyr392Ter; replaces tyrosine 392 with a stop codon.
Molecular consequence: nonsense. On other transcripts: missense variant (1), non-coding transcript variant (2).
Genome position (GRCh38, 1-based): chr9:105,635,054, C>G. VCF-style: chr9-105635054-C-G. GRCh37 (hg19) VCF-style: chr9-108397335-C-G.
Other names: c.1176C>G, p.Tyr392Ter (NM_001198963.2, NM_001351496.2, NM_006731.2); c.1107C>G, p.Tyr369Ter (NM_001351497.2); c.1207C>G, p.Pro403Ala (NM_001351498.2); c.780C>G, p.Tyr260Ter (NM_001351499.2, NM_001351500.2, NM_001351501.2 and 1 more transcripts); short protein forms Y392*, Y369*, P403A, Y260*.
Identifiers: ClinVar variation 620184 (VCV000620184.7), dbSNP rs1203741361, ClinGen allele CA374378010.

ClinVar aggregate classification (germline): Likely pathogenic. Review status: criteria provided, multiple submitters, no conflicts (2 of 4 stars). 3 submissions from 3 submitters: Likely pathogenic (3). Last evaluated 2023-10-20.

Conditions:
Walker-Warburg congenital muscular dystrophy. Also called: Muscular dystrophy-dystroglycanopathy, type A; Walker-Warburg syndrome. Identifiers: Orphanet 899, MedGen C0265221, MONDO:0000171.
Dilated cardiomyopathy 1X (CMD1X). Also called: CARDIOMYOPATHY, DILATED, WITH MILD OR NO PROXIMAL MUSCLE WEAKNESS; FKTN-Related Dilated Cardiomyopathy. Identifiers: Orphanet 154, MedGen C1969024, MONDO:0012704, OMIM 611615.

gnomAD v4.1: 3 of 1,613,868 alleles (0.00019%); highest among the groups gnomAD compares: Non-Finnish European, 0.00025%; no homozygotes.

Submissions (3):

Baylor Genetics
Classification: Likely pathogenic for Dilated cardiomyopathy 1X. Last evaluated: 2023-10-20. Review status: criteria provided, single submitter. Criteria: ACMG Guidelines, 2015. Collection method: clinical testing. Allele origin: unknown.

GeneDx
Classification: Likely pathogenic. Last evaluated: 2023-10-05. Review status: criteria provided, single submitter. Criteria: GeneDx Variant Classification Process June 2021. Collection method: clinical testing. Allele origin: germline. Affected: yes.
Comment: Nonsense variant predicted to result in protein truncation, as the last 70 amino acids are lost, and other loss-of-function variants have been reported downstream in HGMD; Not observed at significant frequency in large population cohorts (gnomAD); Has not been previously published as pathogenic or benign to our knowledge

Labcorp Genetics (formerly Invitae), Labcorp
Classification: Likely pathogenic for Walker-Warburg congenital muscular dystrophy. Last evaluated: 2022-08-22. Review status: criteria provided, single submitter. Criteria: Invitae Variant Classification Sherloc (09022015). Collection method: clinical testing. Allele origin: germline.
Comment: ClinVar contains an entry for this variant (Variation ID: 620184). This sequence change creates a premature translational stop signal (p.Tyr392*) in the FKTN gene. While this is not anticipated to result in nonsense mediated decay, it is expected to disrupt the last 70 amino acid(s) of the FKTN protein. This variant is present in population databases (no rsID available, gnomAD 0.007%). This premature translational stop signal has been observed in individual(s) with Walker-Warburg syndrome (PMID: 22522420). This variant disrupts a region of the FKTN protein in which other variant(s) (p.Asn442Ser) have been observed in individuals with FKTN-related conditions (PMID: 28785732). This suggests that this is a clinically significant region of the protein, and that variants that disrupt it are likely to be disease-causing. In summary, the currently available evidence indicates that the variant is pathogenic, but additional data are needed to prove that conclusively. Therefore, this variant has been classified as Likely Pathogenic.

Literature cited by the submitters: PubMed 22522420 (cited by Labcorp Genetics (formerly Invitae), Labcorp); PubMed 28785732 (cited by Labcorp Genetics (formerly Invitae), Labcorp).